The following is an entry in ClinVar:

ClinVar aggregate classification (germline): Uncertain significance (1 of 4 stars; one submission).

Conditions:
Primary ciliary dyskinesia. Also called: Ciliary dyskinesia. Identifiers: Orphanet 244, MedGen C0008780, MONDO:0016575, HP:0012265.

Submission:

Labcorp Genetics (formerly Invitae), Labcorp
Classification: Uncertain significance for Primary ciliary dyskinesia. Last evaluated: 2021-10-27. Review status: criteria provided, single submitter. Criteria: Invitae Variant Classification Sherloc (09022015). Collection method: clinical testing. Allele origin: germline.
Comment: Algorithms developed to predict the effect of missense changes on protein structure and function are either unavailable or do not agree on the potential impact of this missense change (SIFT: "Deleterious"; PolyPhen-2: "Possibly Damaging"; Align-GVGD: "Class C0"). In summary, the available evidence is currently insufficient to determine the role of this variant in disease. Therefore, it has been classified as a Variant of Uncertain Significance. This variant has not been reported in the literature in individuals affected with DNAH5-related conditions. This variant is not present in population databases (gnomAD no frequency). This sequence change replaces alanine, which is neutral and non-polar, with valine, which is neutral and non-polar, at codon 4543 of the DNAH5 protein (p.Ala4543Val).

NM_001369.3(DNAH5):c.13628C>T (p.Ala4543Val)

Gene: DNAH5 (dynein axonemal heavy chain 5; minus strand). Cytogenetic location: 5p15.2.
Variant type: single nucleotide variant.
Coding change: c.13628C>T on transcript NM_001369.3 (MANE Select); coding-DNA position 13628, C replaced by T.
Protein change: p.Ala4543Val; replaces alanine 4543 with valine.
Molecular consequence: missense variant.
Genome position (GRCh38, 1-based): chr5:13,700,735, G>A on the plus strand (C>T on the coding strand, the complement: DNAH5 is on the minus strand). VCF-style: chr5-13700735-G-A. GRCh37 (hg19) VCF-style: chr5-13700844-G-A.
Other names: short protein forms A4543V.
Identifiers: ClinVar variation 1441929 (VCV001441929.6), dbSNP rs2126404399, ClinGen allele CA359191354.